The following is an entry in ClinVar:

NM_018297.4(NGLY1):c.634T>C (p.Ser212Pro)

Gene: NGLY1 (N-glycanase 1; minus strand). Cytogenetic location: 3p24.2.
Variant type: single nucleotide variant.
Coding change: c.634T>C on transcript NM_018297.4 (MANE Select); coding-DNA position 634, T replaced by C.
Protein change: p.Ser212Pro; replaces serine 212 with proline.
Molecular consequence: missense variant.
Genome position (GRCh38, 1-based): chr3:25,751,122, A>G on the plus strand (T>C on the coding strand, the complement: NGLY1 is on the minus strand). VCF-style: chr3-25751122-A-G. GRCh37 (hg19) VCF-style: chr3-25792613-A-G.
Other names: c.634T>C, p.Ser212Pro (NM_001145293.2, NM_001145295.2); c.508T>C, p.Ser170Pro (NM_001145294.2); short protein forms S212P, S170P.
Identifiers: ClinVar variation 1400402 (VCV001400402.5), dbSNP rs879052893, ClinGen allele CA71662376.

ClinVar aggregate classification (germline): Uncertain significance (1 of 4 stars; one submission).

Conditions:
Congenital disorder of deglycosylation (CDDG). Identifiers: MedGen C3808991, MONDO:0031376.

Allele frequency attached by ClinVar (database versions not stated): gnomAD exomes 0.00001.
gnomAD v4.1: 11 of 1,612,958 alleles (0.00068%); highest among the groups gnomAD compares: East Asian, 0.0045%; no homozygotes.

Submission:

Labcorp Genetics (formerly Invitae), Labcorp
Classification: Uncertain significance for Congenital disorder of deglycosylation. Last evaluated: 2022-01-05. Review status: criteria provided, single submitter. Criteria: Invitae Variant Classification Sherloc (09022015). Collection method: clinical testing. Allele origin: germline.
Comment: This sequence change replaces serine, which is neutral and polar, with proline, which is neutral and non-polar, at codon 212 of the NGLY1 protein (p.Ser212Pro). This variant is not present in population databases (gnomAD no frequency). This variant has not been reported in the literature in individuals affected with NGLY1-related conditions. Algorithms developed to predict the effect of missense changes on protein structure and function (SIFT, PolyPhen-2, Align-GVGD) all suggest that this variant is likely to be tolerated. In summary, the available evidence is currently insufficient to determine the role of this variant in disease. Therefore, it has been classified as a Variant of Uncertain Significance.